The following is an entry in ClinVar:

ClinVar aggregate classification (germline): Uncertain significance (1 of 4 stars; one submission).

Allele frequency attached by ClinVar (database versions not stated): TOPMed below 0.00001; ExAC 0.00001; gnomAD 0.00001.
gnomAD v4.1: 12 of 1,613,866 alleles (0.00074%); highest among the groups gnomAD compares: Admixed American, 0.0067%; no homozygotes.

Submission:

Labcorp Genetics (formerly Invitae), Labcorp
Classification: Uncertain significance. Last evaluated: 2025-08-18. Review status: criteria provided, single submitter. Criteria: Invitae Variant Classification Sherloc (09022015). Collection method: clinical testing. Allele origin: germline.
Comment: This sequence change replaces arginine, which is basic and polar, with serine, which is neutral and polar, at codon 922 of the RPS6KC1 protein (p.Arg922Ser). This variant is present in population databases (rs759176388, gnomAD 0.009%). This variant has not been reported in the literature in individuals affected with RPS6KC1-related conditions. ClinVar contains an entry for this variant (Variation ID: 2904005). An algorithm developed to predict the effect of missense changes on protein structure and function (PolyPhen-2) suggests that this variant is likely to be disruptive. In summary, the available evidence is currently insufficient to determine the role of this variant in disease. Therefore, it has been classified as a Variant of Uncertain Significance.

NM_012424.6(RPS6KC1):c.2766A>C (p.Arg922Ser)

Gene: RPS6KC1 (ribosomal protein S6 kinase C1; plus strand). Cytogenetic location: 1q32.3.
Variant type: single nucleotide variant.
Coding change: c.2766A>C on transcript NM_012424.6 (MANE Select); coding-DNA position 2766, A replaced by C.
Protein change: p.Arg922Ser; replaces arginine 922 with serine.
Molecular consequence: missense variant. On other transcripts: non-coding transcript variant (4).
Genome position (GRCh38, 1-based): chr1:213,242,242, A>C. VCF-style: chr1-213242242-A-C. GRCh37 (hg19) VCF-style: chr1-213415585-A-C.
Other names: c.1371A>C, p.Arg457Ser (NM_001349668.2, NM_001349669.2, NM_001349670.2 and 8 more transcripts); c.2730A>C, p.Arg910Ser (NM_001136138.4); c.2130A>C, p.Arg710Ser (NM_001287218.3, NM_001287219.3, NM_001349654.2); c.2223A>C, p.Arg741Ser (NM_001287221.3, NM_001349648.2, NM_001349649.2 and 4 more transcripts); c.2673A>C, p.Arg891Ser (NM_001349646.2); c.2403A>C, p.Arg801Ser (NM_001349647.2); c.1875A>C, p.Arg625Ser (NM_001349657.2, NM_001349658.2); c.1710A>C, p.Arg570Ser (NM_001349659.2, NM_001349660.2, NM_001349661.2 and 1 more transcripts); short protein forms R922S, R457S, R741S, R625S, R910S, R570S, R710S, R801S.
Identifiers: ClinVar variation 2904005 (VCV002904005.3), dbSNP rs759176388, ClinGen allele CA1387675.